The following is an entry in ClinVar:

NM_016252.4(BIRC6):c.1598A>G (p.Lys533Arg)

Gene: BIRC6 (baculoviral IAP repeat containing 6; plus strand). Cytogenetic location: 2p22.3.
Variant type: single nucleotide variant.
Coding change: c.1598A>G on transcript NM_016252.4 (MANE Select); coding-DNA position 1598, A replaced by G.
Protein change: p.Lys533Arg; replaces lysine 533 with arginine.
Molecular consequence: missense variant.
Genome position (GRCh38, 1-based): chr2:32,414,889, A>G. VCF-style: chr2-32414889-A-G. GRCh37 (hg19) VCF-style: chr2-32639957-A-G.
Other names: c.1514A>G, p.Lys505Arg (NM_001378125.1); short protein forms K505R, K533R.
Identifiers: ClinVar variation 3033181 (VCV003033181.2), dbSNP rs2468667636, ClinGen allele CA346538694.

ClinVar aggregate classification (germline): Uncertain significance (0 of 4 stars; one submission).

Conditions:
BIRC6-related disorder. Also called: BIRC6-related condition.

Submission:

PreventionGenetics, part of Exact Sciences
Classification: Uncertain significance for BIRC6-related condition. Last evaluated: 2023-12-22. Review status: no assertion criteria provided. Collection method: clinical testing. Allele origin: germline.
Comment: The BIRC6 c.1598A>G variant is predicted to result in the amino acid substitution p.Lys533Arg. To our knowledge, this variant has not been reported in the literature or in a large population database, indicating this variant is rare. At this time, the clinical significance of this variant is uncertain due to the absence of conclusive functional and genetic evidence.